The following is an entry in ClinVar:

ClinVar aggregate classification (germline): Uncertain significance (1 of 4 stars; one submission).

Allele frequency attached by ClinVar (database versions not stated): ExAC 0.00235.
gnomAD v4.1: 144 of 1,179,020 alleles (0.012%); highest among the groups gnomAD compares: Admixed American, 0.021%; 2 homozygotes.

Submission:

Labcorp Genetics (formerly Invitae), Labcorp
Classification: Uncertain significance. Last evaluated: 2023-04-11. Review status: criteria provided, single submitter. Criteria: Invitae Variant Classification Sherloc (09022015). Collection method: clinical testing. Allele origin: germline.
Comment: The frequency data for this variant in the population databases is considered unreliable, as metrics indicate poor data quality at this position in the gnomAD database. In summary, the available evidence is currently insufficient to determine the role of this variant in disease. Therefore, it has been classified as a Variant of Uncertain Significance. Experimental studies and prediction algorithms are not available or were not evaluated, and the functional significance of this variant is currently unknown. This variant has not been reported in the literature in individuals affected with RCOR1-related conditions. This sequence change replaces alanine, which is neutral and non-polar, with valine, which is neutral and non-polar, at codon 23 of the RCOR1 protein (p.Ala23Val).

NM_015156.4(RCOR1):c.68C>T (p.Ala23Val)

Gene: RCOR1 (REST corepressor 1; plus strand). Cytogenetic location: 14q32.31.
Variant type: single nucleotide variant.
Coding change: c.68C>T on transcript NM_015156.4 (MANE Select); coding-DNA position 68, C replaced by T.
Protein change: p.Ala23Val; replaces alanine 23 with valine.
Molecular consequence: missense variant.
Genome position (GRCh38, 1-based): chr14:102,592,954, C>T. VCF-style: chr14-102592954-C-T. GRCh37 (hg19) VCF-style: chr14-103059291-C-T.
Other names: short protein forms A23V.
Identifiers: ClinVar variation 2853807 (VCV002853807.3), dbSNP rs753582127, ClinGen allele CA7358678.
Genomic context (GRCh38, chr14:102,592,954, plus strand): 5'-CCATGGTGGAGAAGGGCCCCGAGGTCTCAGGGAAGCGGAGAGGGAGGAACAACGCGGCCG[C>T]CTCCGCCTCCGCCGCCGCCGCCTCCGCCGCCGCCTCGGCCGCCTGCGCCTCGCCAGCCGC-3'
Protein context (NP_055971.2, residues 13-33): GKRRGRNNAA[Ala23Val]SASAAAASAA